The following is an entry in ClinVar:

ClinVar aggregate classification (germline): Uncertain significance (1 of 4 stars; one submission).

Allele frequency attached by ClinVar (database versions not stated): gnomAD 0.00003 and 0.00004; TOPMed 0.00003; ExAC 0.00007; gnomAD exomes 0.00007; ESP Exome Variant Server 0.00008.
gnomAD v4.1: 84 of 1,609,622 alleles (0.0052%); highest among the groups gnomAD compares: East Asian, 0.027%; no homozygotes.

Submission:

Labcorp Genetics (formerly Invitae), Labcorp
Classification: Uncertain significance. Last evaluated: 2025-10-14. Review status: criteria provided, single submitter. Criteria: Invitae Variant Classification Sherloc (09022015). Collection method: clinical testing. Allele origin: germline.
Comment: This sequence change replaces arginine, which is basic and polar, with histidine, which is basic and polar, at codon 1191 of the DCHS1 protein (p.Arg1191His). This variant is present in population databases (rs376375338, gnomAD 0.04%). This variant has not been reported in the literature in individuals affected with DCHS1-related conditions. ClinVar contains an entry for this variant (Variation ID: 1422686). Invitae Evidence Modeling of protein sequence and biophysical properties (such as structural, functional, and spatial information, amino acid conservation, physicochemical variation, residue mobility, and thermodynamic stability) indicates that this missense variant is expected to disrupt DCHS1 protein function with a positive predictive value of 80%. In summary, the available evidence is currently insufficient to determine the role of this variant in disease. Therefore, it has been classified as a Variant of Uncertain Significance.

NM_003737.4(DCHS1):c.3572G>A (p.Arg1191His)

Gene: DCHS1 (dachsous cadherin-related 1; minus strand). Cytogenetic location: 11p15.4.
Variant type: single nucleotide variant.
Coding change: c.3572G>A on transcript NM_003737.4 (MANE Select); coding-DNA position 3572, G replaced by A.
Protein change: p.Arg1191His; replaces arginine 1191 with histidine.
Molecular consequence: missense variant.
Genome position (GRCh38, 1-based): chr11:6,631,719, C>T on the plus strand (G>A on the coding strand, the complement: DCHS1 is on the minus strand). VCF-style: chr11-6631719-C-T. GRCh37 (hg19) VCF-style: chr11-6652950-C-T.
Other names: short protein forms R1191H.
Identifiers: ClinVar variation 1422686 (VCV001422686.6), dbSNP rs376375338, ClinGen allele CA5860494.